The following is an entry in ClinVar:

NM_000282.4(PCCA):c.28C>T (p.Pro10Ser)

Gene: PCCA (propionyl-CoA carboxylase subunit alpha; plus strand). Cytogenetic location: 13q32.3.
Variant type: single nucleotide variant.
Coding change: c.28C>T on transcript NM_000282.4 (MANE Select); coding-DNA position 28, C replaced by T.
Protein change: p.Pro10Ser; replaces proline 10 with serine.
Molecular consequence: missense variant. On other transcripts: 5 prime UTR variant (3), non-coding transcript variant (5).
Genome position (GRCh38, 1-based): chr13:100,089,148, C>T. VCF-style: chr13-100089148-C-T. GRCh37 (hg19) VCF-style: chr13-100741402-C-T.
Other names: c.28C>T, p.Pro10Ser (NM_001352607.2, NM_001352608.2, NM_001352609.2 and 4 more transcripts); c.-839C>T (NM_001352610.2, NM_001352611.2, NM_001352612.2); short protein forms P10S.
Identifiers: ClinVar variation 4749171 (VCV004749171.1).

ClinVar aggregate classification (germline): Uncertain significance (1 of 4 stars; one submission).

Conditions:
Propionic acidemia (PROP). Also called: GLYCINEMIA, KETOTIC; HYPERGLYCINEMIA WITH KETOACIDOSIS AND LEUKOPENIA; KETOTIC HYPERGLYCINEMIA. Identifiers: Orphanet 35, MedGen C0268579, MONDO:0011628, OMIM 606054, HP:0003571.

Submission:

Labcorp Genetics (formerly Invitae), Labcorp
Classification: Uncertain significance for Propionic acidemia. Last evaluated: 2025-07-14. Review status: criteria provided, single submitter. Criteria: Invitae Variant Classification Sherloc (09022015). Collection method: clinical testing. Allele origin: germline.
Comment: This sequence change replaces proline, which is neutral and non-polar, with serine, which is neutral and polar, at codon 10 of the PCCA protein (p.Pro10Ser). This variant is not present in population databases (gnomAD no frequency). This variant has not been reported in the literature in individuals affected with PCCA-related conditions. Invitae Evidence Modeling of protein sequence and biophysical properties (such as structural, functional, and spatial information, amino acid conservation, physicochemical variation, residue mobility, and thermodynamic stability) indicates that this missense variant is not expected to disrupt PCCA protein function with a negative predictive value of 95%. In summary, the available evidence is currently insufficient to determine the role of this variant in disease. Therefore, it has been classified as a Variant of Uncertain Significance.